The following is an entry in ClinVar:

ClinVar aggregate classification (germline): Uncertain significance (1 of 4 stars; one submission).

Submission:

Labcorp Genetics (formerly Invitae), Labcorp
Classification: Uncertain significance. Last evaluated: 2025-09-02. Review status: criteria provided, single submitter. Criteria: Invitae Variant Classification Sherloc (09022015). Collection method: clinical testing. Allele origin: germline.
Comment: This variant, c.348_377del, results in the deletion of 10 amino acid(s) of the THAP11 protein (p.Gln123_Gln132del), but otherwise preserves the integrity of the reading frame. The frequency data for this variant in the population databases is considered unreliable, as metrics indicate poor data quality at this position in the gnomAD database. This variant has not been reported in the literature in individuals affected with THAP11-related conditions. ClinVar contains an entry for this variant (Variation ID: 2053264). Experimental studies and prediction algorithms are not available or were not evaluated, and the functional significance of this variant is currently unknown. In summary, the available evidence is currently insufficient to determine the role of this variant in disease. Therefore, it has been classified as a Variant of Uncertain Significance.

NM_020457.3(THAP11):c.348_377del (p.Gln123_Gln132del)

Genes: CENPT (centromere protein T; minus strand), THAP11 (THAP domain containing 11; plus strand). Cytogenetic location: 16q22.1.
Variant type: Deletion.
Coding change: c.348_377del on transcript NM_020457.3 (MANE Select); coding-DNA positions 348 to 377, 30 bases deleted (ACAGCAGCAGCAGCAGCAACAGCAGCAGCA).
Protein change: p.Gln123_Gln132del.
Molecular consequence: inframe deletion. On other transcripts: intron variant (1).
Genome position (GRCh38, 1-based): chr16:67,842,902-67,842,931, ACAGCAGCAGCAGCAGCAACAGCAGCAGCA deleted; deleting any 30 consecutive bases within chr16:67,842,894-67,842,931 gives the same sequence; the c. name uses the placement nearest the transcript's 3' end. VCF-style (leftmost placement, unchanged base first): chr16-67842893-ACAGCAGCAACAGCAGCAGCAGCAGCAACAG-A. GRCh37 (hg19) VCF-style: chr16-67876796-ACAGCAGCAACAGCAGCAGCAGCAGCAACAG-A.
Other names: c.-492+4478_-492+4507del (NM_025082.4).
Identifiers: ClinVar variation 2053264 (VCV002053264.4), dbSNP rs770695756, ClinGen allele CA8118190.